The following is an entry in ClinVar:

ClinVar aggregate classification (germline): Likely benign (0 of 4 stars; one submission).

Conditions:
KIF5C-related disorder. Also called: KIF5C-related condition.

Allele frequency attached by ClinVar (database versions not stated): gnomAD exomes 0.00005; ESP Exome Variant Server 0.00008; gnomAD 0.00009; TOPMed 0.00010; ExAC 0.00012.
gnomAD v4.1: 88 of 1,613,948 alleles (0.0055%); highest among the groups gnomAD compares: Middle Eastern, 0.049%; no homozygotes.

Submission:

PreventionGenetics, part of Exact Sciences
Classification: Likely benign for KIF5C-related condition. Last evaluated: 2019-06-06. Review status: no assertion criteria provided. Collection method: clinical testing. Allele origin: germline.
Comment: This variant is classified as likely benign based on ACMG/AMP sequence variant interpretation guidelines (Richards et al. 2015 PMID: 25741868, with internal and published modifications).

NM_004522.3(KIF5C):c.1830C>T (p.Ser610=)

Gene: KIF5C (kinesin family member 5C; plus strand). Cytogenetic location: 2q23.1.
Variant type: single nucleotide variant.
Coding change: c.1830C>T on transcript NM_004522.3 (MANE Select); coding-DNA position 1830, C replaced by T.
Protein change: p.Ser610=; no amino-acid change (serine 610 retained).
Molecular consequence: synonymous variant. On other transcripts: non-coding transcript variant (1).
Genome position (GRCh38, 1-based): chr2:148,991,123, C>T. VCF-style: chr2-148991123-C-T. GRCh37 (hg19) VCF-style: chr2-149847637-C-T.
Identifiers: ClinVar variation 3043875 (VCV003043875.2), dbSNP rs367575634, ClinGen allele CA1901532.